The following is an entry in ClinVar:

NM_000077.5(CDKN2A):c.458-15T>A

Gene: CDKN2A (cyclin dependent kinase inhibitor 2A; minus strand). Cytogenetic location: 9p21.3.
Variant type: single nucleotide variant.
Coding change: c.458-15T>A on transcript NM_000077.5 (MANE Select); 15 bases into the intron before coding-DNA position 458, T replaced by A.
Molecular consequence: intron variant.
Genome position (GRCh38, 1-based): chr9:21,968,257, A>T on the plus strand (T>A on the coding strand, the complement: CDKN2A is on the minus strand). VCF-style: chr9-21968257-A-T. GRCh37 (hg19) VCF-style: chr9-21968256-A-T.
Other names: c.305-15T>A (NM_001363763.2); c.*102-15T>A (NM_058195.4); c.*151-15T>A (NM_001195132.2); c.*381-15T>A (NM_058197.5).
Identifiers: ClinVar variation 491578 (VCV000491578.11), dbSNP rs772321849, ClinGen allele CA586896186.

ClinVar aggregate classification (germline): Likely benign. Review status: criteria provided, multiple submitters, no conflicts (2 of 4 stars). 3 submissions from 3 submitters: Likely benign (3). Last evaluated 2025-12-29.

Conditions:
Familial melanoma. Also called: Hereditary melanoma; Hereditary cutaneous melanoma. Identifiers: Orphanet 618, MedGen C1512419, MONDO:0018961.
Hereditary cancer-predisposing syndrome. Also called: Hereditary Cancer Syndrome; Neoplastic Syndromes, Hereditary; Tumor predisposition; Hereditary neoplastic syndrome. Identifiers: Orphanet 140162, MedGen C0027672, MeSH D009386, MONDO:0015356.

gnomAD v4.1: 15 of 1,613,984 alleles (0.00093%); highest among the groups gnomAD compares: East Asian, 0.031%; no homozygotes.

Submissions (3):

Labcorp Genetics (formerly Invitae), Labcorp
Classification: Likely benign for Familial melanoma. Last evaluated: 2025-12-29. Review status: criteria provided, single submitter. Criteria: Invitae Variant Classification Sherloc (09022015). Collection method: clinical testing. Allele origin: germline.

GeneDx
Classification: Likely benign. Last evaluated: 2017-03-23. Review status: criteria provided, single submitter. Criteria: GeneDx Variant Classification (06012015). Collection method: clinical testing. Allele origin: germline. Affected: yes.
Comment: This variant is considered likely benign or benign based on one or more of the following criteria: it is a conservative change, it occurs at a poorly conserved position in the protein, it is predicted to be benign by multiple in silico algorithms, and/or has population frequency not consistent with disease.

Color Diagnostics, LLC DBA Color Health
Classification: Likely benign for Hereditary cancer-predisposing syndrome. Last evaluated: 2016-12-05. Review status: criteria provided, single submitter. Criteria: ACMG Guidelines, 2015. Collection method: clinical testing. Allele origin: germline.